The following is an entry in ClinVar:

ClinVar aggregate classification (germline): Uncertain significance (1 of 4 stars; one submission).

Conditions:
Hypertrophic cardiomyopathy. Also called: HYPERTROPHIC MYOCARDIOPATHY. Identifiers: Orphanet 217569, MedGen C0007194, MeSH D002312, MONDO:0005045, HP:0001639.

Submission:

Labcorp Genetics (formerly Invitae), Labcorp
Classification: Uncertain significance for Hypertrophic cardiomyopathy. Last evaluated: 2022-07-19. Review status: criteria provided, single submitter. Criteria: Invitae Variant Classification Sherloc (09022015). Collection method: clinical testing. Allele origin: germline.
Comment: Algorithms developed to predict the effect of missense changes on protein structure and function are either unavailable or do not agree on the potential impact of this missense change (SIFT: "Deleterious"; PolyPhen-2: "Probably Damaging"; Align-GVGD: "Class C0"). ClinVar contains an entry for this variant (Variation ID: 639314). This variant has not been reported in the literature in individuals affected with JPH2-related conditions. This variant is not present in population databases (gnomAD no frequency). This sequence change replaces serine, which is neutral and polar, with glycine, which is neutral and non-polar, at codon 146 of the JPH2 protein (p.Ser146Gly). In summary, the available evidence is currently insufficient to determine the role of this variant in disease. Therefore, it has been classified as a Variant of Uncertain Significance.

NM_020433.5(JPH2):c.436A>G (p.Ser146Gly)

Gene: JPH2 (junctophilin 2; minus strand). Cytogenetic location: 20q13.12.
Variant type: single nucleotide variant.
Coding change: c.436A>G on transcript NM_020433.5 (MANE Select); coding-DNA position 436, A replaced by G.
Protein change: p.Ser146Gly; replaces serine 146 with glycine.
Molecular consequence: missense variant.
Genome position (GRCh38, 1-based): chr20:44,160,351, T>C on the plus strand (A>G on the coding strand, the complement: JPH2 is on the minus strand). VCF-style: chr20-44160351-T-C. GRCh37 (hg19) VCF-style: chr20-42788991-T-C.
Other names: short protein forms S146G.
Identifiers: ClinVar variation 639314 (VCV000639314.8), dbSNP rs1600858194, ClinGen allele CA409094382.
Genomic context (GRCh38, chr20:44,160,351, plus strand): 5'-GGGACGACAGCGACGTGCGCAGCGGCGAGCGCACCACCACGGCCATCCCGTAGGGCACGC[T>C]CTGGCGTACTCCGTAGCCATGGCGCATGCCGTTGGTGAACTGGCCTTGGTACGTCCCTGC-3'
Protein context (NP_065166.2, residues 136-156): GMRHGYGVRQ[Ser146Gly]VPYGMAVVVR